The following is an entry in ClinVar:

NM_001330078.2(NRXN1):c.2082G>A (p.Gly694=)

Gene: NRXN1 (neurexin 1; minus strand). Cytogenetic location: 2p16.3.
Variant type: single nucleotide variant.
Coding change: c.2082G>A on transcript NM_001330078.2 (MANE Select); coding-DNA position 2082, G replaced by A.
Protein change: p.Gly694=; no amino-acid change (glycine 694 retained).
Molecular consequence: synonymous variant.
Genome position (GRCh38, 1-based): chr2:50,538,314, C>T on the plus strand (G>A on the coding strand, the complement: NRXN1 is on the minus strand). VCF-style: chr2-50538314-C-T. GRCh37 (hg19) VCF-style: chr2-50765452-C-T.
Other names: c.2202G>A, p.Gly734= (NM_001135659.3); c.2058G>A, p.Gly686= (NM_001330077.2, NM_001330082.2, NM_001330095.2); c.2043G>A, p.Gly681= (NM_001330083.2, NM_001330084.2); c.2082G>A, p.Gly694= (NM_001330085.2, NM_004801.6, NM_001330086.2); c.2079G>A, p.Gly693= (NM_001330093.2); c.2070G>A, p.Gly690= (NM_001330094.2); c.1998G>A, p.Gly666= (NM_001330096.2, NM_001330087.2); c.2028G>A, p.Gly676= (NM_001330088.2).
Identifiers: ClinVar variation 2888616 (VCV002888616.3), dbSNP rs773229921, ClinGen allele CA1654934.
Genomic context (GRCh38, chr2:50,538,314, plus strand): 5'-TCTCTCACAGGACCTGCCAAGATAGCCTGTTCCGGAACAATCACAGACATATCTGTTCCA[C>T]CCATCCCTGCACATGCCATTGTTTTTGCAAGGGTTGCTAAGGCACGGTTTTGCTGTTTCC-3'
Protein context (NP_001317007.1, residues 684-704): PCKNNGMCRD[Gly694=]WNRYVCDCSG

ClinVar aggregate classification (germline): Uncertain significance (1 of 4 stars; one submission).

Conditions:
Pitt-Hopkins-like syndrome 2 (PTHSL2). Identifiers: Orphanet 221150, Orphanet 600663, MedGen C3280479, MONDO:0013690, OMIM 614325.

Allele frequency attached by ClinVar (database versions not stated): TOPMed below 0.00001; ExAC 0.00001; gnomAD exomes 0.00001.
gnomAD v4.1: 6 of 1,613,940 alleles (0.00037%); highest among the groups gnomAD compares: East Asian, 0.0022%; no homozygotes.

Submission:

Labcorp Genetics (formerly Invitae), Labcorp
Classification: Uncertain significance for Pitt-Hopkins-like syndrome 2. Last evaluated: 2023-03-30. Review status: criteria provided, single submitter. Criteria: Invitae Variant Classification Sherloc (09022015). Collection method: clinical testing. Allele origin: germline.
Comment: This sequence change affects codon 734 of the NRXN1 mRNA. It is a 'silent' change, meaning that it does not change the encoded amino acid sequence of the NRXN1 protein. This variant is present in population databases (rs773229921, gnomAD 0.0009%). In summary, the available evidence is currently insufficient to determine the role of this variant in disease. Therefore, it has been classified as a Variant of Uncertain Significance. Algorithms developed to predict the effect of sequence changes on RNA splicing suggest that this variant may create or strengthen a splice site. This variant has not been reported in the literature in individuals affected with NRXN1-related conditions.